The following is an entry in ClinVar:

ClinVar aggregate classification (germline): Uncertain significance (1 of 4 stars; one submission).

Conditions:
Autoimmune interstitial lung disease-arthritis syndrome. Also called: Autoinflammation and autoimmunity, systemic, with immune dysregulation. Identifiers: Orphanet 444092, MedGen C5975714, MONDO:0014629.

Allele frequency attached by ClinVar (database versions not stated): gnomAD exomes 0.00002 and 0.00001; ExAC 0.00002.
gnomAD v4.1: 24 of 1,614,020 alleles (0.0015%); highest among the groups gnomAD compares: South Asian, 0.0088%; no homozygotes.

Submission:

Labcorp Genetics (formerly Invitae), Labcorp
Classification: Uncertain significance for Autoimmune interstitial lung disease-arthritis syndrome. Last evaluated: 2025-06-23. Review status: criteria provided, single submitter. Criteria: Invitae Variant Classification Sherloc (09022015). Collection method: clinical testing. Allele origin: germline.
Comment: This sequence change replaces serine, which is neutral and polar, with leucine, which is neutral and non-polar, at codon 434 of the COPA protein (p.Ser434Leu). This variant is present in population databases (rs769707936, gnomAD 0.006%). This variant has not been reported in the literature in individuals affected with COPA-related conditions. ClinVar contains an entry for this variant (Variation ID: 1386816). An algorithm developed to predict the effect of missense changes on protein structure and function (PolyPhen-2) suggests that this variant is likely to be tolerated. In summary, the available evidence is currently insufficient to determine the role of this variant in disease. Therefore, it has been classified as a Variant of Uncertain Significance.

NM_004371.4(COPA):c.1301C>T (p.Ser434Leu)

Gene: COPA (coat protein complex I subunit alpha; minus strand). Cytogenetic location: 1q23.2.
Variant type: single nucleotide variant.
Coding change: c.1301C>T on transcript NM_004371.4 (MANE Select); coding-DNA position 1301, C replaced by T.
Protein change: p.Ser434Leu; replaces serine 434 with leucine.
Molecular consequence: missense variant.
Genome position (GRCh38, 1-based): chr1:160,307,164, G>A on the plus strand (C>T on the coding strand, the complement: COPA is on the minus strand). VCF-style: chr1-160307164-G-A. GRCh37 (hg19) VCF-style: chr1-160276954-G-A.
Other names: c.1301C>T, p.Ser434Leu (NM_001098398.2); short protein forms S434L.
Identifiers: ClinVar variation 1386816 (VCV001386816.8), dbSNP rs769707936, ClinGen allele CA1198132.